The following is an entry in ClinVar:

ClinVar aggregate classification (germline): Uncertain significance. Review status: criteria provided, multiple submitters, no conflicts (2 of 4 stars). 4 submissions from 4 submitters: Uncertain significance (4). Last evaluated 2025-09-24.

Conditions:
Pheochromocytoma. Also called: MAX-Related Hereditary Paraganglioma-Pheochromocytoma Syndrome. Identifiers: Orphanet 29072, MedGen C0031511, MONDO:0008233, OMIM 171300, HP:0002666.
Hirschsprung disease, susceptibility to, 1 (HSCR1). Also called: RET-Related Hirschsprung Disease. Identifiers: Orphanet 388, MedGen C3888239, MONDO:0007723, OMIM 142623.
Familial medullary thyroid carcinoma (MTC). Also called: Thyroid cancer, familial medullary; MTC, familial; Familial Medullary Thyroid Carcinoma (FMTC). Identifiers: Orphanet 653, Orphanet 99361, MedGen C1833921, MONDO:0007958, OMIM 155240.
Multiple endocrine neoplasia type 2B. Also called: WAGENMANN-FROBOESE SYNDROME; MULTIPLE ENDOCRINE NEOPLASIA, TYPE III; MEN 2B; MUCOSAL NEUROMA SYNDROME; MULTIPLE ENDOCRINE NEOPLASIA, TYPE IIB; MEN IIB. Identifiers: Orphanet 247709, Orphanet 653, MedGen C0025269, MeSH D018814, MONDO:0008082, OMIM 162300.
Multiple endocrine neoplasia type 2A. Also called: MULTIPLE ENDOCRINE NEOPLASIA, TYPE IIA; PTC SYNDROME; SIPPLE SYNDROME; MEN 2A; MEN-2A syndrome; Pheochromocytoma and amyloid producing medullary thyroid carcinoma. Identifiers: Orphanet 247698, Orphanet 653, MedGen C0025268, MeSH D018813, MONDO:0008234, OMIM 171400.
Hereditary cancer-predisposing syndrome. Also called: Tumor predisposition; Hereditary neoplastic syndrome; Neoplastic Syndromes, Hereditary; Hereditary Cancer Syndrome. Identifiers: Orphanet 140162, MedGen C0027672, MeSH D009386, MONDO:0015356.
Multiple endocrine neoplasia, type 2 (MEN2). Identifiers: Orphanet 653, MedGen C4048306, MONDO:0019003. Disease mechanism: gain of function.

Allele frequency attached by ClinVar (database versions not stated): gnomAD exomes below 0.00001; TOPMed below 0.00001; gnomAD 0.00003.

Submissions (4):

Labcorp Genetics (formerly Invitae), Labcorp
Classification: Uncertain significance for Multiple endocrine neoplasia, type 2. Last evaluated: 2025-09-24. Review status: criteria provided, single submitter. Criteria: Invitae Variant Classification Sherloc (09022015). Collection method: clinical testing. Allele origin: germline.
Comment: This sequence change replaces methionine, which is neutral and non-polar, with valine, which is neutral and non-polar, at codon 848 of the RET protein (p.Met848Val). This variant is present in population databases (rs794728685, gnomAD 0.002%). This variant has not been reported in the literature in individuals affected with RET-related conditions. ClinVar contains an entry for this variant (Variation ID: 201131). An algorithm developed to predict the effect of missense changes on protein structure and function (PolyPhen-2) suggests that this variant is likely to be tolerated. In summary, the available evidence is currently insufficient to determine the role of this variant in disease. Therefore, it has been classified as a Variant of Uncertain Significance.

Ambry Genetics
Classification: Uncertain significance for Hereditary cancer-predisposing syndrome. Last evaluated: 2024-05-24. Review status: criteria provided, single submitter. Criteria: Ambry Variant Classification Scheme 2023. Collection method: clinical testing. Allele origin: germline.
Comment: The p.M848V variant (also known as c.2542A>G), located in coding exon 14 of the RET gene, results from an A to G substitution at nucleotide position 2542. The methionine at codon 848 is replaced by valine, an amino acid with highly similar properties. This amino acid position is well conserved in available vertebrate species. In addition, the in silico prediction for this alteration is inconclusive. Based on the available evidence, the clinical significance of this variant remains unclear.

GeneDx
Classification: Uncertain significance. Last evaluated: 2022-06-22. Review status: criteria provided, single submitter. Criteria: GeneDx Variant Classification Process June 2021. Collection method: clinical testing. Allele origin: germline. Affected: yes.
Comment: Not observed at significant frequency in large population cohorts (gnomAD); In silico analysis supports that this missense variant does not alter protein structure/function; Observed in an individual with T-cell acute lymphoblastic leukemia (Kimura 2019); This variant is associated with the following publications: (PMID: 14633923, 30387229)

Fulgent Genetics
Classification: Uncertain significance for Hirschsprung disease, susceptibility to, 1; Familial medullary thyroid carcinoma; Multiple endocrine neoplasia type 2B; Pheochromocytoma; Multiple endocrine neoplasia type 2A. Last evaluated: 2022-01-04. Review status: criteria provided, single submitter. Criteria: ACMG Guidelines, 2015. Collection method: clinical testing. Allele origin: unknown.

NM_020975.6(RET):c.2542A>G (p.Met848Val)

Gene: RET (ret proto-oncogene; plus strand). Cytogenetic location: 10q11.21.
Variant type: single nucleotide variant.
Coding change: c.2542A>G on transcript NM_020975.6 (MANE Select); coding-DNA position 2542, A replaced by G.
Protein change: p.Met848Val; replaces methionine 848 with valine.
Molecular consequence: missense variant.
Genome position (GRCh38, 1-based): chr10:43,119,680, A>G. VCF-style: chr10-43119680-A-G. GRCh37 (hg19) VCF-style: chr10-43615128-A-G.
Other names: p.M848V:ATG>GTG; c.1816A>G, p.Met606Val (NM_001406776.1, NM_001406777.1, NM_001406778.1 and 1 more transcripts); c.1645A>G, p.Met549Val (NM_001406779.1, NM_001406780.1, NM_001406781.1 and 1 more transcripts); c.1516A>G, p.Met506Val (NM_001406783.1, NM_001406786.1); c.1552A>G, p.Met518Val (NM_001406784.1); c.1525A>G, p.Met509Val (NM_001406785.1); c.2542A>G, p.Met848Val (NM_001406743.1, NM_001406744.1, NM_001406759.1 and 4 more transcripts); c.2413A>G, p.Met805Val (NM_001406761.1, NM_001406762.1, NM_001406764.1); and 11 more; short protein forms M848V, M594V, M413V, M453V, M504V, M518V, M606V, M716V.
Identifiers: ClinVar variation 201131 (VCV000201131.19), dbSNP rs794728685, ClinGen allele CA008898.